The following is an entry in ClinVar:

ClinVar aggregate classification (germline): Uncertain significance (1 of 4 stars; one submission).

Submission:

Laboratory for Molecular Medicine, Mass General Brigham Personalized Medicine
Classification: Uncertain significance. Last evaluated: 2012-04-10. Review status: criteria provided, single submitter. Criteria: LMM Criteria. Collection method: clinical testing. Allele origin: germline. Inheritance: Autosomal recessive inheritance. Observed: 1 variant allele.
Comment: Variant classified as Uncertain Significance - Favor Pathogenic. The Pro1957_Leu 1958del variant in CDH23 has not been reported in the literature nor previously identified by our laboratory. This variant leads to an in-frame deletion of two codons. The clinical significance of this variant cannot be determined with cert ainty; however, based upon the combination of this variant with a Likely Pathoge nic variant and the fact that removal of two amino acids is likely to impact pro tein structure, we would lean towards a more likely pathogenic role.

NM_022124.6(CDH23):c.5869_5874del (p.Pro1957_Leu1958del)

Gene: CDH23 (cadherin related 23; plus strand). Cytogenetic location: 10q22.1.
Variant type: Deletion.
Coding change: c.5869_5874del on transcript NM_022124.6 (MANE Select); coding-DNA positions 5869 to 5874, 6 bases deleted (CCCCTC; older notation c.5869_5874delCCCCTC).
Protein change: p.Pro1957_Leu1958del.
Molecular consequence: inframe deletion.
Genome position (GRCh38, 1-based): chr10:71,788,988-71,788,993, CCCCTC deleted; deleting any 6 consecutive bases within chr10:71,788,987-71,788,993 gives the same sequence; the c. name uses the placement nearest the transcript's 3' end. VCF-style (leftmost placement, unchanged base first): chr10-71788986-ACCCCCT-A. GRCh37 (hg19) VCF-style: chr10-73548743-ACCCCCT-A.
Identifiers: ClinVar variation 45994 (VCV000045994.4), dbSNP rs397517345, ClinGen allele CA137511.